The following is an entry in ClinVar:

NM_000535.7(PMS2):c.2585A>T (p.Asn862Ile)

Gene: PMS2 (PMS1 homolog 2, mismatch repair system component; minus strand). Cytogenetic location: 7p22.1.
Variant type: single nucleotide variant.
Coding change: c.2585A>T on transcript NM_000535.7 (MANE Select); coding-DNA position 2585, A replaced by T.
Protein change: p.Asn862Ile; replaces asparagine 862 with isoleucine.
Molecular consequence: missense variant. On other transcripts: non-coding transcript variant (1).
Genome position (GRCh38, 1-based): chr7:5,973,403, T>A on the plus strand (A>T on the coding strand, the complement: PMS2 is on the minus strand). VCF-style: chr7-5973403-T-A. GRCh37 (hg19) VCF-style: chr7-6013034-T-A.
Other names: c.2024A>T, p.Asn675Ile (NM_001406906.1, NM_001406907.1, NM_001322010.2); c.2012A>T, p.Asn671Ile (NM_001406908.1, NM_001322013.2, NM_001406909.1); c.1652A>T, p.Asn551Ile (NM_001322011.2, NM_001322012.2); c.2618A>T, p.Asn873Ile (NM_001322014.2); c.2276A>T, p.Asn759Ile (NM_001322015.2, NM_001406880.1, NM_001406881.1 and 4 more transcripts); c.2771A>T, p.Asn924Ile (NM_001406866.1); c.2609A>T, p.Asn870Ile (NM_001406868.1); c.2477A>T, p.Asn826Ile (NM_001406869.1); and 20 more; short protein forms N605I, N623I, N727I, N870I, N461I, N671I, N738I, N740I.
Identifiers: ClinVar variation 3935161 (VCV003935161.1).

ClinVar aggregate classification (germline): Uncertain significance (1 of 4 stars; one submission).

Conditions:
Hereditary cancer-predisposing syndrome. Also called: Tumor predisposition; Hereditary neoplastic syndrome; Hereditary Cancer Syndrome; Neoplastic Syndromes, Hereditary. Identifiers: Orphanet 140162, MedGen C0027672, MeSH D009386, MONDO:0015356.

Submission:

Ambry Genetics
Classification: Uncertain significance for Hereditary cancer-predisposing syndrome. Last evaluated: 2025-06-13. Review status: criteria provided, single submitter. Criteria: Ambry Variant Classification Scheme 2023. Collection method: clinical testing. Allele origin: germline.
Comment: The p.N862I variant (also known as c.2585A>T), located in coding exon 15 of the PMS2 gene, results from an A to T substitution at nucleotide position 2585. The asparagine at codon 862 is replaced by isoleucine, an amino acid with dissimilar properties. This amino acid position is conserved. In addition, the in silico prediction for this alteration is inconclusive. Based on the available evidence, the clinical significance of this variant remains unclear.